The following is an entry in ClinVar:

ClinVar aggregate classification (germline): Uncertain significance (1 of 4 stars; one submission).

Submission:

Women's Health and Genetics/Laboratory Corporation of America, LabCorp
Classification: Uncertain significance. Last evaluated: 2024-05-16. Review status: criteria provided, single submitter. Criteria: LabCorp Variant Classification Summary - May 2015. Collection method: clinical testing. Allele origin: germline.
Comment: Variant summary: MUT c.375C>A (p.Asp125Glu) results in a conservative amino acid change located in the methylmalonyl-CoA mutase, alpha chain, catalytic domain (IPR006098) of the encoded protein sequence. Four of five in-silico tools predict a benign effect of the variant on protein function. The variant was absent in 251270 control chromosomes. The available data on variant occurrences in the general population are insufficient to allow any conclusion about variant significance. To our knowledge, no occurrence of c.375C>A in individuals affected with Methylmalonic Acidemia and no experimental evidence demonstrating its impact on protein function have been reported. No submitters have cited clinical-significance assessments for this variant to ClinVar. Based on the evidence outlined above, the variant was classified as uncertain significance.

NM_000255.4(MMUT):c.375C>A (p.Asp125Glu)

Gene: MMUT (methylmalonyl-CoA mutase; minus strand). Cytogenetic location: 6p12.3.
Variant type: single nucleotide variant.
Coding change: c.375C>A on transcript NM_000255.4 (MANE Select); coding-DNA position 375, C replaced by A.
Protein change: p.Asp125Glu; replaces aspartic acid 125 with glutamic acid.
Molecular consequence: missense variant.
Genome position (GRCh38, 1-based): chr6:49,459,092, G>T on the plus strand (C>A on the coding strand, the complement: MMUT is on the minus strand). VCF-style: chr6-49459092-G-T. GRCh37 (hg19) VCF-style: chr6-49426805-G-T.
Other names: short protein forms D125E.
Identifiers: ClinVar variation 3336537 (VCV003336537.1).